The following is an entry in ClinVar:

ClinVar aggregate classification (germline): Conflicting classifications of pathogenicity. Review status: criteria provided, conflicting classifications (1 of 4 stars). 5 submissions from 5 submitters: Uncertain significance (1); Likely benign (4). Last evaluated 2026-01-26.

Conditions:
Malignant hyperthermia, susceptibility to, 5 (MHS5). Also called: CACNA1S-Related Malignant Hyperthermia Susceptibility. Identifiers: Orphanet 423, MedGen C1866077, MONDO:0011163, OMIM 601887.
Thyrotoxic periodic paralysis, susceptibility to, 1 (TTPP1). Identifiers: Orphanet 79102, MedGen C2749982, MONDO:0008570, OMIM 188580.
Hypokalemic periodic paralysis, type 1. Also called: HypoPP; Hypokalemic Periodic Paralysis Type 1 (AD). Identifiers: Orphanet 681, MedGen C3714580, MONDO:0042979, OMIM 170400.

Allele frequency attached by ClinVar (database versions not stated): TOPMed 0.00006; ESP Exome Variant Server 0.00008; 1000 Genomes Project 30x 0.00016; 1000 Genomes Project 0.00020.
gnomAD v4.1: 90 of 1,613,564 alleles (0.0056%); highest among the groups gnomAD compares: East Asian, 0.027%; no homozygotes.

Submissions (5):

Labcorp Genetics (formerly Invitae), Labcorp
Classification: Likely benign for Hypokalemic periodic paralysis, type 1; Malignant hyperthermia, susceptibility to, 5. Last evaluated: 2026-01-26. Review status: criteria provided, single submitter. Criteria: Invitae Variant Classification Sherloc (09022015). Collection method: clinical testing. Allele origin: germline.

Blueprint Genetics
Classification: Likely benign. Last evaluated: 2024-03-07. Review status: criteria provided, single submitter. Criteria: ACMG Guidelines, 2015. Collection method: clinical testing. Allele origin: germline.

Color Diagnostics, LLC DBA Color Health
Classification: Likely benign for Malignant hyperthermia, susceptibility to, 5. Last evaluated: 2024-01-29. Review status: criteria provided, single submitter. Criteria: ACMG Guidelines, 2015. Collection method: clinical testing. Allele origin: germline.

CeGaT Center for Human Genetics Tuebingen
Classification: Likely benign. Last evaluated: 2023-09-01. Review status: criteria provided, single submitter. Criteria: CeGaT Center For Human Genetics Tuebingen Variant Classification Criteria Version 2. Collection method: clinical testing. Allele origin: germline. Affected: yes. Observed: 1 variant allele.
Comment: CACNA1S: BP4, BP7

Fulgent Genetics
Classification: Uncertain significance for Hypokalemic periodic paralysis, type 1; Thyrotoxic periodic paralysis, susceptibility to, 1; Malignant hyperthermia, susceptibility to, 5. Last evaluated: 2022-04-06. Review status: criteria provided, single submitter. Criteria: ACMG Guidelines, 2015. Collection method: clinical testing. Allele origin: unknown.

NM_000069.3(CACNA1S):c.1884C>T (p.Gly628=)

Gene: CACNA1S (calcium voltage-gated channel subunit alpha1 S; minus strand). Cytogenetic location: 1q32.1.
Variant type: single nucleotide variant.
Coding change: c.1884C>T on transcript NM_000069.3 (MANE Select); coding-DNA position 1884, C replaced by T.
Protein change: p.Gly628=; no amino-acid change (glycine 628 retained).
Molecular consequence: synonymous variant.
Genome position (GRCh38, 1-based): chr1:201,075,559, G>A on the plus strand (C>T on the coding strand, the complement: CACNA1S is on the minus strand). VCF-style: chr1-201075559-G-A. GRCh37 (hg19) VCF-style: chr1-201044687-G-A.
Identifiers: ClinVar variation 938084 (VCV000938084.36), dbSNP rs200743095, ClinGen allele CA078647.